The following is an entry in ClinVar:

NM_025114.4(CEP290):c.4090G>A (p.Glu1364Lys)

Gene: CEP290 (centrosomal protein 290; minus strand). Cytogenetic location: 12q21.32.
Variant type: single nucleotide variant.
Coding change: c.4090G>A on transcript NM_025114.4 (MANE Select); coding-DNA position 4090, G replaced by A.
Protein change: p.Glu1364Lys; replaces glutamic acid 1364 with lysine.
Molecular consequence: missense variant.
Genome position (GRCh38, 1-based): chr12:88,087,884, C>T on the plus strand (G>A on the coding strand, the complement: CEP290 is on the minus strand). VCF-style: chr12-88087884-C-T. GRCh37 (hg19) VCF-style: chr12-88481661-C-T.
Other names: short protein forms E1364K.
Identifiers: ClinVar variation 4988831 (VCV004988831.1).

ClinVar aggregate classification (germline): Uncertain significance (1 of 4 stars; one submission).

Conditions:
CEP290-related disorder. Also called: CEP290-related condition; CEP290-related disorders. Identifiers: MedGen CN239314.

Submission:

PreventionGenetics, part of Exact Sciences
Classification: Uncertain significance for CEP290-related condition. Last evaluated: 2025-07-18. Review status: criteria provided, single submitter. Criteria: ACMG Guidelines, 2015. Collection method: clinical testing. Allele origin: germline.
Comment: The CEP290 c.4090G>A variant is predicted to result in the amino acid substitution p.Glu1364Lys. To our knowledge, this variant has not been reported in the literature or in a large population database (gnomAD), indicating this variant is rare. At this time, the clinical significance of this variant is uncertain due to the absence of conclusive functional and genetic evidence.